The following is an entry in ClinVar:

NM_004304.5(ALK):c.3248T>C (p.Leu1083Pro)

Gene: ALK (ALK receptor tyrosine kinase; minus strand). Cytogenetic location: 2p23.2.
Variant type: single nucleotide variant.
Coding change: c.3248T>C on transcript NM_004304.5 (MANE Select); coding-DNA position 3248, T replaced by C.
Protein change: p.Leu1083Pro; replaces leucine 1083 with proline.
Molecular consequence: missense variant.
Genome position (GRCh38, 1-based): chr2:29,223,453, A>G on the plus strand (T>C on the coding strand, the complement: ALK is on the minus strand). VCF-style: chr2-29223453-A-G. GRCh37 (hg19) VCF-style: chr2-29446319-A-G.
Other names: c.44T>C, p.Leu15Pro (NM_001353765.2); short protein forms L1083P, L15P.
Identifiers: ClinVar variation 2696358 (VCV002696358.3), dbSNP rs1452386636, ClinGen allele CA346465226.

ClinVar aggregate classification (germline): Uncertain significance (1 of 4 stars; one submission).

Conditions:
Neuroblastoma, susceptibility to, 3. Also called: ALK-Related Neuroblastic Tumor Susceptibility. Identifiers: Orphanet 635, MedGen C2751681, MONDO:0013083, OMIM 613014.

Submission:

Labcorp Genetics (formerly Invitae), Labcorp
Classification: Uncertain significance for Neuroblastoma, susceptibility to, 3. Last evaluated: 2023-11-16. Review status: criteria provided, single submitter. Criteria: Invitae Variant Classification Sherloc (09022015). Collection method: clinical testing. Allele origin: germline.
Comment: This sequence change replaces leucine, which is neutral and non-polar, with proline, which is neutral and non-polar, at codon 1083 of the ALK protein (p.Leu1083Pro). This variant is not present in population databases (gnomAD no frequency). This variant has not been reported in the literature in individuals affected with ALK-related conditions. An algorithm developed to predict the effect of missense changes on protein structure and function (PolyPhen-2) suggests that this variant is likely to be disruptive. In summary, the available evidence is currently insufficient to determine the role of this variant in disease. Therefore, it has been classified as a Variant of Uncertain Significance.